The following is an entry in ClinVar:

NM_006206.6(PDGFRA):c.2114T>G (p.Leu705Arg)

Gene: PDGFRA (platelet derived growth factor receptor alpha; plus strand). Cytogenetic location: 4q12.
Variant type: single nucleotide variant.
Coding change: c.2114T>G on transcript NM_006206.6 (MANE Select); coding-DNA position 2114, T replaced by G.
Protein change: p.Leu705Arg; replaces leucine 705 with arginine.
Molecular consequence: missense variant.
Genome position (GRCh38, 1-based): chr4:54,278,473, T>G. VCF-style: chr4-54278473-T-G. GRCh37 (hg19) VCF-style: chr4-55144640-T-G.
Other names: c.2114T>G, p.Leu705Arg (NM_001347827.2, NM_001347829.2); c.2189T>G, p.Leu730Arg (NM_001347828.2); c.2153T>G, p.Leu718Arg (NM_001347830.2); short protein forms L705R, L718R, L730R.
Identifiers: ClinVar variation 639502 (VCV000639502.8), dbSNP rs1577732126, ClinGen allele CA356894082.

ClinVar aggregate classification (germline): Uncertain significance. Review status: criteria provided, multiple submitters, no conflicts (2 of 4 stars). 2 submissions from 2 submitters: Uncertain significance (2). Last evaluated 2024-09-09.

Conditions:
Hereditary cancer-predisposing syndrome. Also called: Hereditary Cancer Syndrome; Tumor predisposition; Neoplastic Syndromes, Hereditary; Hereditary neoplastic syndrome. Identifiers: Orphanet 140162, MedGen C0027672, MeSH D009386, MONDO:0015356.
Gastrointestinal stromal tumor. Also called: Gastrointestinal stromal tumor, somatic; Gastrointestinal stroma tumor. Identifiers: Orphanet 44890, MedGen C0238198, MeSH D046152, MONDO:0011719, OMIM 606764, HP:0100723.

Submissions (2):

Ambry Genetics
Classification: Uncertain significance for Hereditary cancer-predisposing syndrome. Last evaluated: 2024-09-09. Review status: criteria provided, single submitter. Criteria: Ambry Variant Classification Scheme 2023. Collection method: clinical testing. Allele origin: germline.
Comment: The p.L705R variant (also known as c.2114T>G), located in coding exon 14 of the PDGFRA gene, results from a T to G substitution at nucleotide position 2114. The leucine at codon 705 is replaced by arginine, an amino acid with dissimilar properties. This amino acid position is conserved. In addition, the in silico prediction for this alteration is inconclusive. Based on the available evidence, the clinical significance of this variant remains unclear.

Labcorp Genetics (formerly Invitae), Labcorp
Classification: Uncertain significance for Gastrointestinal stromal tumor. Last evaluated: 2023-11-01. Review status: criteria provided, single submitter. Criteria: Invitae Variant Classification Sherloc (09022015). Collection method: clinical testing. Allele origin: germline.
Comment: This sequence change replaces leucine, which is neutral and non-polar, with arginine, which is basic and polar, at codon 705 of the PDGFRA protein (p.Leu705Arg). This variant is not present in population databases (gnomAD no frequency). This variant has not been reported in the literature in individuals affected with PDGFRA-related conditions. ClinVar contains an entry for this variant (Variation ID: 639502). Advanced modeling of protein sequence and biophysical properties (such as structural, functional, and spatial information, amino acid conservation, physicochemical variation, residue mobility, and thermodynamic stability) performed at Invitae indicates that this missense variant is not expected to disrupt PDGFRA protein function with a negative predictive value of 80%. In summary, the available evidence is currently insufficient to determine the role of this variant in disease. Therefore, it has been classified as a Variant of Uncertain Significance.